The following is an entry in ClinVar:

ClinVar aggregate classification (germline): Uncertain significance. Review status: criteria provided, multiple submitters, no conflicts (2 of 4 stars). 2 submissions from 2 submitters: Uncertain significance (2). Last evaluated 2025-04-28.

Conditions:
Inborn genetic diseases. Identifiers: MedGen C0950123, MeSH D030342.

Allele frequency attached by ClinVar (database versions not stated): gnomAD exomes below 0.00001; TOPMed 0.00002.

Submissions (2):

Labcorp Genetics (formerly Invitae), Labcorp
Classification: Uncertain significance. Last evaluated: 2025-04-28. Review status: criteria provided, single submitter. Criteria: Invitae Variant Classification Sherloc (09022015). Collection method: clinical testing. Allele origin: germline.
Comment: This sequence change replaces methionine, which is neutral and non-polar, with valine, which is neutral and non-polar, at codon 1809 of the C2CD3 protein (p.Met1809Val). This variant is not present in population databases (gnomAD no frequency). This variant has not been reported in the literature in individuals affected with C2CD3-related conditions. ClinVar contains an entry for this variant (Variation ID: 1957473). Invitae Evidence Modeling of protein sequence and biophysical properties (such as structural, functional, and spatial information, amino acid conservation, physicochemical variation, residue mobility, and thermodynamic stability) indicates that this missense variant is not expected to disrupt C2CD3 protein function with a negative predictive value of 80%. In summary, the available evidence is currently insufficient to determine the role of this variant in disease. Therefore, it has been classified as a Variant of Uncertain Significance.

Ambry Genetics
Classification: Uncertain significance for Inborn genetic diseases. Last evaluated: 2023-09-20. Review status: criteria provided, single submitter. Criteria: Ambry Variant Classification Scheme 2023. Collection method: clinical testing. Allele origin: germline.

NM_001286577.2(C2CD3):c.5425A>G (p.Met1809Val)

Gene: C2CD3 (C2 domain containing 3 centriole elongation regulator; minus strand). Cytogenetic location: 11q13.4.
Variant type: single nucleotide variant.
Coding change: c.5425A>G on transcript NM_001286577.2 (MANE Select); coding-DNA position 5425, A replaced by G.
Protein change: p.Met1809Val; replaces methionine 1809 with valine.
Molecular consequence: missense variant.
Genome position (GRCh38, 1-based): chr11:74,048,275, T>C on the plus strand (A>G on the coding strand, the complement: C2CD3 is on the minus strand). VCF-style: chr11-74048275-T-C. GRCh37 (hg19) VCF-style: chr11-73759320-T-C.
Other names: c.5425A>G, p.Met1809Val (NM_015531.6); c.5425A>G (NM_015531.4); short protein forms M1809V.
Identifiers: ClinVar variation 1957473 (VCV001957473.6), dbSNP rs1225013280, ClinGen allele CA381826867.
Genomic context (GRCh38, chr11:74,048,275, plus strand): 5'-AGGAGAAATCAAGCTCCTTTGAGGAGGCATGAGCAAGTTGGTCTAGGGTCTGCCTTGCCA[T>C]GTGGCTGGAGAATGCAGCATACGTATCAGAGGCAGGGAAGGAAAAGGGACTGTATATTGG-3'
Protein context (NP_001273506.1, residues 1799-1819): SDTYAAFSSH[Met1809Val]ARQTLDQLAH